The following is an entry in ClinVar:

NM_198253.3(TERT):c.2354C>T (p.Pro785Leu)

Gene: TERT (telomerase reverse transcriptase; minus strand). Cytogenetic location: 5p15.33.
Variant type: single nucleotide variant.
Coding change: c.2354C>T on transcript NM_198253.3 (MANE Select); coding-DNA position 2354, C replaced by T.
Protein change: p.Pro785Leu; replaces proline 785 with leucine.
Molecular consequence: missense variant.
Genome position (GRCh38, 1-based): chr5:1,272,213, G>A on the plus strand (C>T on the coding strand, the complement: TERT is on the minus strand). VCF-style: chr5-1272213-G-A. GRCh37 (hg19) VCF-style: chr5-1272328-G-A.
Other names: c.2354C>T, p.Pro785Leu (NM_001193376.3); short protein forms P785L.
Identifiers: ClinVar variation 846805 (VCV000846805.10), dbSNP rs483352771, ClinGen allele CA359076277.

ClinVar aggregate classification (germline): Uncertain significance. Review status: criteria provided, multiple submitters, no conflicts (2 of 4 stars). 3 submissions from 3 submitters: Uncertain significance (3). Last evaluated 2025-10-14.

Conditions:
Dyskeratosis congenita. Identifiers: Orphanet 1775, MedGen C0265965, MONDO:0015780.
Idiopathic Pulmonary Fibrosis. Also called: Idiopathic fibrosing alveolitis, chronic form; idiopathic fibrosing alveolitis. Identifiers: Orphanet 2032, MedGen C1800706, MeSH D054990, MONDO:0800504.
Dyskeratosis congenita, autosomal dominant 2. Identifiers: MedGen C3151443, MONDO:0013521, OMIM 613989.

Allele frequency attached by ClinVar (database versions not stated): gnomAD 0.00001 and 0.00002; TOPMed 0.00002.
gnomAD v4.1: 8 of 1,612,740 alleles (0.0005%); highest among the groups gnomAD compares: East Asian, 0.0022%; no homozygotes.

Submissions (3):

Labcorp Genetics (formerly Invitae), Labcorp
Classification: Uncertain significance for Dyskeratosis congenita, autosomal dominant 2; Idiopathic Pulmonary Fibrosis. Last evaluated: 2025-10-14. Review status: criteria provided, single submitter. Criteria: Invitae Variant Classification Sherloc (09022015). Collection method: clinical testing. Allele origin: germline.
Comment: This sequence change replaces proline, which is neutral and non-polar, with leucine, which is neutral and non-polar, at codon 785 of the TERT protein (p.Pro785Leu). This variant is present in population databases (no rsID available, gnomAD 0.0009%). This missense change has been observed in individual(s) with acute myeloid leukemia and aplastic anemia (PMID: 19760749, 30523342). ClinVar contains an entry for this variant (Variation ID: 846805). Invitae Evidence Modeling of protein sequence and biophysical properties (such as structural, functional, and spatial information, amino acid conservation, physicochemical variation, residue mobility, and thermodynamic stability) indicates that this missense variant is not expected to disrupt TERT protein function with a negative predictive value of 95%. Experimental studies are conflicting or provide insufficient evidence to determine the effect of this variant on TERT function (PMID: 19760749, 26887940). In summary, the available evidence is currently insufficient to determine the role of this variant in disease. Therefore, it has been classified as a Variant of Uncertain Significance.

Ambry Genetics
Classification: Uncertain significance for Dyskeratosis congenita. Last evaluated: 2025-03-17. Review status: criteria provided, single submitter. Criteria: Ambry Variant Classification Scheme 2023. Collection method: clinical testing. Allele origin: germline.
Comment: The p.P785L variant (also known as c.2354C>T), located in coding exon 7 of the TERT gene, results from a C to T substitution at nucleotide position 2354. The proline at codon 785 is replaced by leucine, an amino acid with similar properties. This variant was reported in individual(s) with features consistent with TERT-related disorders (Kirwan M et al. Hum Mutat, 2009 Nov;30:1567-73; Gutierrez-Rodrigues F et al. Genet Med, 2019 Jul;21:1594-1602). This amino acid position is poorly conserved in available vertebrate species. In addition, the in silico prediction for this alteration is inconclusive. Based on the available evidence, the clinical significance of this variant remains unclear.

GeneDx
Classification: Uncertain significance. Last evaluated: 2022-10-12. Review status: criteria provided, single submitter. Criteria: GeneDx Variant Classification Process June 2021. Collection method: clinical testing. Allele origin: germline. Affected: yes.
Comment: Not observed at significant frequency in large population cohorts (gnomAD); In silico analysis supports that this missense variant does not alter protein structure/function; Published functional studies are conflicting: while telomerase activity and TERT function were demonstrated to be increased in comparison to wild-type in one study, they were demonstrated to be decreased in another (Kirwan et al., 2009; Chu et al., 2016); Observed in individuals with myelodysplastic syndrome, acute myeloid leukemia, and/or aplastic anemia, as well as in clinically unaffected family members; notably, all heterozygous carriers had reduced telomere length (Kirwan et al., 2009; Holme et al., 2012; Gutierrez et al., 2019); This variant is associated with the following publications: (PMID: 26887940, 19760749, 22533337, 30523342)

Literature cited by the submitters: PubMed 19760749 (cited by Labcorp Genetics (formerly Invitae), Labcorp and Ambry Genetics); PubMed 30523342 (cited by Labcorp Genetics (formerly Invitae), Labcorp and Ambry Genetics); PubMed 26887940 (cited by Labcorp Genetics (formerly Invitae), Labcorp).